The following is an entry in ClinVar:

NM_003000.3(SDHB):c.691C>G (p.Leu231Val)

Gene: SDHB (succinate dehydrogenase complex iron sulfur subunit B; minus strand). Cytogenetic location: 1p36.13.
Variant type: single nucleotide variant.
Coding change: c.691C>G on transcript NM_003000.3 (MANE Select); coding-DNA position 691, C replaced by G.
Protein change: p.Leu231Val; replaces leucine 231 with valine.
Molecular consequence: missense variant.
Genome position (GRCh38, 1-based): chr1:17,022,682, G>C on the plus strand (C>G on the coding strand, the complement: SDHB is on the minus strand). VCF-style: chr1-17022682-G-C. GRCh37 (hg19) VCF-style: chr1-17349177-G-C.
Other names: c.637C>G, p.Leu213Val (NM_001407361.1); short protein forms L213V, L231V.
Identifiers: ClinVar variation 3438769 (VCV003438769.1).

ClinVar aggregate classification (germline): Uncertain significance (1 of 4 stars; one submission).

Conditions:
Hereditary cancer-predisposing syndrome. Also called: Tumor predisposition; Neoplastic Syndromes, Hereditary; Hereditary neoplastic syndrome; Hereditary Cancer Syndrome. Identifiers: Orphanet 140162, MedGen C0027672, MeSH D009386, MONDO:0015356.

Submission:

Ambry Genetics
Classification: Uncertain significance for Hereditary cancer-predisposing syndrome. Last evaluated: 2024-11-09. Review status: criteria provided, single submitter. Criteria: Ambry Variant Classification Scheme 2023. Collection method: clinical testing. Allele origin: germline.
Comment: The p.L231V variant (also known as c.691C>G), located in coding exon 7 of the SDHB gene, results from a C to G substitution at nucleotide position 691. The leucine at codon 231 is replaced by valine, an amino acid with highly similar properties. This amino acid position is conserved. In addition, this alteration is predicted to be deleterious by in silico analysis. Based on the available evidence, the clinical significance of this variant remains unclear.